The following is an entry in ClinVar:

NM_001256317.3(TMPRSS3):c.447-13A>G

Gene: TMPRSS3 (transmembrane serine protease 3; minus strand). Cytogenetic location: 21q22.3.
Variant type: single nucleotide variant.
Coding change: c.447-13A>G on transcript NM_001256317.3 (MANE Select); 13 bases into the intron before coding-DNA position 447, A replaced by G.
Molecular consequence: intron variant.
Genome position (GRCh38, 1-based): chr21:42,385,547, T>C on the plus strand (A>G on the coding strand, the complement: TMPRSS3 is on the minus strand). VCF-style: chr21-42385547-T-C. GRCh37 (hg19) VCF-style: chr21-43805656-T-C.
Other names: c.447-13A>G (NM_024022.4, NM_032405.2); c.66-13A>G (NM_032404.3).
Identifiers: ClinVar variation 46121 (VCV000046121.32), dbSNP rs8130564, ClinGen allele CA137718.

ClinVar aggregate classification (germline): Benign/Likely benign. Review status: criteria provided, multiple submitters, no conflicts (2 of 4 stars). 11 submissions from 11 submitters: Benign (8); Likely benign (1). 2 of the submissions do not count toward it. Last evaluated 2026-06-08.

Conditions:
Autosomal recessive nonsyndromic hearing loss 8 (DFNB8). Also called: Deafness, autosomal recessive 10; NEUROSENSORY NONSYNDROMIC RECESSIVE DEAFNESS 8. Identifiers: Orphanet 90636, MedGen C1832827, MONDO:0010987, OMIM 601072.

Allele frequency attached by ClinVar (database versions not stated): gnomAD exomes 0.45513 and 0.47718; ExAC 0.48773; gnomAD 0.56513 and 0.56900; ESP Exome Variant Server 0.58212; TOPMed 0.58508; 1000 Genomes Project 0.61841; 1000 Genomes Project 30x 0.62367.
gnomAD v4.1: 752,156 of 1,611,910 alleles (47%); highest among the groups gnomAD compares: African/African-American, 87%; 183,708 homozygotes.

Submissions (11):

Women's Health and Genetics/Laboratory Corporation of America, LabCorp
Classification: Benign. Last evaluated: 2026-06-08. Review status: criteria provided, single submitter. Criteria: LabCorp Variant Classification Summary - May 2015. Collection method: clinical testing. Allele origin: germline.

Labcorp Genetics (formerly Invitae), Labcorp
Classification: Benign. Last evaluated: 2026-02-04. Review status: criteria provided, single submitter. Criteria: Invitae Variant Classification Sherloc (09022015). Collection method: clinical testing. Allele origin: germline.

Blueprint Genetics
Classification: Likely benign. Last evaluated: 2024-11-28. Review status: criteria provided, single submitter. Criteria: ACMG Guidelines, 2015. Collection method: clinical testing. Allele origin: germline.

Genome-Nilou Lab
Classification: Benign for Autosomal recessive nonsyndromic hearing loss 8. Last evaluated: 2021-09-10. Review status: criteria provided, single submitter. Criteria: ACMG Guidelines, 2015. Collection method: clinical testing. Allele origin: germline. Affected: no.

GeneDx
Classification: Benign. Last evaluated: 2018-12-18. Review status: criteria provided, single submitter. Criteria: GeneDx Variant Classification Process June 2021. Collection method: clinical testing. Allele origin: germline. Affected: yes.

Illumina Laboratory Services, Illumina
Classification: Benign for Autosomal recessive nonsyndromic hearing loss 8. Last evaluated: 2018-01-13. Review status: criteria provided, single submitter. Criteria: ICSL Variant Classification Criteria 13 December 2019. Collection method: clinical testing. Allele origin: germline.
Comment: This variant was observed in the ICSL laboratory as part of a predisposition screen in an ostensibly healthy population. It had not been previously curated by ICSL or reported in the Human Gene Mutation Database (HGMD: prior to June 1st, 2018), and was therefore a candidate for classification through an automated scoring system. Utilizing variant allele frequency, disease prevalence and penetrance estimates, and inheritance mode, an automated score was calculated to assess if this variant is too frequent to cause the disease. Based on the score and internal cut-off values, a variant classified as benign is not then subjected to further curation. The score for this variant resulted in a classification of benign for this disease.

Laboratory for Molecular Medicine, Mass General Brigham Personalized Medicine
Classification: Benign. Last evaluated: 2009-06-23. Review status: criteria provided, single submitter. Criteria: LMM Criteria. Collection method: clinical testing. Allele origin: germline. Observed: 1,329 variant alleles.

Breakthrough Genomics
Classification: Benign. Review status: criteria provided, single submitter. Criteria: ACMG Guidelines, 2015. Collection method: not provided. Allele origin: germline. Inheritance: Autosomal recessive inheritance. Affected: yes.

PreventionGenetics, part of Exact Sciences
Classification: Benign. Review status: criteria provided, single submitter. Criteria: ACMG Guidelines, 2015. Collection method: clinical testing. Allele origin: germline.

Diagnostic Laboratory, Department of Genetics, University Medical Center Groningen
Classification: Benign. Review status: no assertion criteria provided. Collection method: clinical testing. Allele origin: germline. Affected: yes. Study: VKGL Data-share Consensus. Not counted in ClinVar's aggregate classification.

Joint Genome Diagnostic Labs from Nijmegen and Maastricht, Radboudumc and MUMC+
Classification: Benign. Review status: no assertion criteria provided. Collection method: clinical testing. Allele origin: germline. Affected: yes. Study: VKGL Data-share Consensus. Not counted in ClinVar's aggregate classification.